The following is an entry in ClinVar:

ClinVar aggregate classification (germline): Likely pathogenic (1 of 4 stars; one submission).

Conditions:
BCKDHB-related disorder. Also called: BCKDHB-related condition.

Submission:

PreventionGenetics, part of Exact Sciences
Classification: Likely pathogenic for BCKDHB-related condition. Last evaluated: 2026-09-14. Review status: criteria provided, single submitter. Criteria: ACMG Guidelines, 2015. Collection method: clinical testing. Allele origin: germline.
Comment: The BCKDHB c.362delA variant is predicted to result in a frameshift and premature protein termination (p.Asn121Ilefs*109). To our knowledge, this variant has not been reported in the literature or in a large population database (gnomAD), indicating this variant is rare. Frameshift variants in BCKDHB are expected to be pathogenic. This variant is interpreted as likely pathogenic.

NM_183050.4(BCKDHB):c.362del (p.Asn121fs)

Gene: BCKDHB (branched chain keto acid dehydrogenase E1 subunit beta; plus strand). Cytogenetic location: 6q14.1.
Variant type: Deletion.
Coding change: c.362del on transcript NM_183050.4 (MANE Select); coding-DNA position 362, one base deleted (A; older notation c.362delA).
Protein change: p.Asn121fs; shifts the reading frame from asparagine 121.
Molecular consequence: frameshift variant. On other transcripts: non-coding transcript variant (6).
Genome position (GRCh38, 1-based): chr6:80,167,696, A deleted; the last of 2 consecutive A bases (chr6:80,167,695-80,167,696); deleting either gives the same sequence. VCF-style (leftmost placement, unchanged base first): chr6-80167694-TA-T. GRCh37 (hg19) VCF-style: chr6-80877411-TA-T.
Other names: c.362del, p.Asn121fs (NM_000056.5, NM_001424035.1, NM_001424036.1 and 8 more transcripts); c.152del, p.Asn51fs (NM_001318975.1, NM_001424043.1); short protein forms N51fs, N121fs.
Identifiers: ClinVar variation 4996555 (VCV004996555.1).